The following is an entry in ClinVar:

ClinVar aggregate classification (germline): Uncertain significance (1 of 4 stars; one submission).

Conditions:
SCYL1-related disorder. Also called: SCYL1-related condition.

Submission:

PreventionGenetics, part of Exact Sciences
Classification: Uncertain significance for SCYL1-related condition. Last evaluated: 2026-02-11. Review status: criteria provided, single submitter. Criteria: ACMG Guidelines, 2015. Collection method: clinical testing. Allele origin: germline.
Comment: The SCYL1 c.767G>T variant is predicted to result in the amino acid substitution p.Arg256Leu. To our knowledge, this variant has not been reported in the literature or in a large population database (gnomAD), indicating this variant is rare. At this time, the clinical significance of this variant is uncertain due to the absence of conclusive functional and genetic evidence.

NM_020680.4(SCYL1):c.767G>T (p.Arg256Leu)

Gene: SCYL1 (SCY1 like pseudokinase 1; plus strand). Cytogenetic location: 11q13.1.
Variant type: single nucleotide variant.
Coding change: c.767G>T on transcript NM_020680.4 (MANE Select); coding-DNA position 767, G replaced by T.
Protein change: p.Arg256Leu; replaces arginine 256 with leucine.
Molecular consequence: missense variant. On other transcripts: intron variant (1).
Genome position (GRCh38, 1-based): chr11:65,527,035, G>T. VCF-style: chr11-65527035-G-T. GRCh37 (hg19) VCF-style: chr11-65294506-G-T.
Other names: c.764G>T, p.Arg255Leu (NM_001425183.1, NM_001425180.1); c.767G>T, p.Arg256Leu (NM_001425184.1, NM_001425185.1, NM_001425186.1 and 18 more transcripts); c.512G>T, p.Arg171Leu (NM_001425199.1); c.503G>T, p.Arg168Leu (NM_001425200.1); c.338G>T, p.Arg113Leu (NM_001425203.1, NM_001425204.1, NM_001425205.1 and 2 more transcripts); c.155G>T, p.Arg52Leu (NM_001425208.1, NM_001425209.1, NM_001425210.1 and 1 more transcripts); c.694-11G>T (NM_001425189.1); short protein forms R113L, R255L, R168L, R171L, R256L, R52L.
Identifiers: ClinVar variation 4995288 (VCV004995288.1).